The following is an entry in ClinVar:

ClinVar aggregate classification (germline): Uncertain significance (1 of 4 stars; one submission).

Conditions:
DICER1-related tumor predisposition. Also called: DICER1 syndrome; DICER1-related pleuropulmonary blastoma cancer predisposition syndrome. Identifiers: Orphanet 284343, MedGen C3839822, MONDO:0100216.

Submission:

Labcorp Genetics (formerly Invitae), Labcorp
Classification: Uncertain significance for DICER1-related tumor predisposition. Last evaluated: 2019-06-06. Review status: criteria provided, single submitter. Criteria: Invitae Variant Classification Sherloc (09022015). Collection method: clinical testing. Allele origin: germline.
Comment: In summary, the available evidence is currently insufficient to determine the role of this variant in disease. Therefore, it has been classified as a Variant of Uncertain Significance. Algorithms developed to predict the effect of missense changes on protein structure and function (SIFT, PolyPhen-2, Align-GVGD) all suggest that this variant is likely to be tolerated, but these predictions have not been confirmed by published functional studies and their clinical significance is uncertain. This variant has not been reported in the literature in individuals with DICER1-related conditions. This variant is not present in population databases (ExAC no frequency). This sequence change replaces serine with threonine at codon 1543 of the DICER1 protein (p.Ser1543Thr). The serine residue is moderately conserved and there is a small physicochemical difference between serine and threonine.

NM_177438.3(DICER1):c.4627T>A (p.Ser1543Thr)

Gene: DICER1 (dicer 1, ribonuclease III; minus strand). Cytogenetic location: 14q32.13.
Variant type: single nucleotide variant.
Coding change: c.4627T>A on transcript NM_177438.3 (MANE Select); coding-DNA position 4627, T replaced by A.
Protein change: p.Ser1543Thr; replaces serine 1543 with threonine.
Molecular consequence: missense variant.
Genome position (GRCh38, 1-based): chr14:95,096,293, A>T on the plus strand (T>A on the coding strand, the complement: DICER1 is on the minus strand). VCF-style: chr14-95096293-A-T. GRCh37 (hg19) VCF-style: chr14-95562630-A-T.
Other names: c.4627T>A, p.Ser1543Thr (NM_001195573.1, NM_001271282.3, NM_001291628.2 and 1 more transcripts); short protein forms S1543T.
Identifiers: ClinVar variation 937456 (VCV000937456.11), dbSNP rs1890328495, ClinGen allele CA390867662.